The following is an entry in ClinVar:

NM_206933.4(USH2A):c.10478G>T (p.Arg3493Ile)

Gene: USH2A (usherin; minus strand). Cytogenetic location: 1q41.
Variant type: single nucleotide variant.
Coding change: c.10478G>T on transcript NM_206933.4 (MANE Select); coding-DNA position 10478, G replaced by T.
Protein change: p.Arg3493Ile; replaces arginine 3493 with isoleucine.
Molecular consequence: missense variant.
Genome position (GRCh38, 1-based): chr1:215,782,845, C>A on the plus strand (G>T on the coding strand, the complement: USH2A is on the minus strand). VCF-style: chr1-215782845-C-A. GRCh37 (hg19) VCF-style: chr1-215956187-C-A.
Other names: short protein forms R3493I.
Identifiers: ClinVar variation 851427 (VCV000851427.7), dbSNP rs201182885, ClinGen allele CA1394004.

ClinVar aggregate classification (germline): Uncertain significance (1 of 4 stars; one submission).

Allele frequency attached by ClinVar (database versions not stated): 1000 Genomes Project 0.00020; ExAC 0.00001; 1000 Genomes Project 30x 0.00016.
gnomAD v4.1: 1 of 1,613,956 alleles (0.000062%); highest among the groups gnomAD compares: Admixed American, 0.0017%; no homozygotes.

Submission:

Labcorp Genetics (formerly Invitae), Labcorp
Classification: Uncertain significance. Last evaluated: 2021-08-30. Review status: criteria provided, single submitter. Criteria: Invitae Variant Classification Sherloc (09022015). Collection method: clinical testing. Allele origin: germline.
Comment: This sequence change replaces arginine with isoleucine at codon 3493 of the USH2A protein (p.Arg3493Ile). The arginine residue is weakly conserved and there is a moderate physicochemical difference between arginine and isoleucine. This variant is present in population databases (rs201182885, ExAC 0.009%). This variant has not been reported in the literature in individuals affected with USH2A-related conditions. Algorithms developed to predict the effect of missense changes on protein structure and function (SIFT, PolyPhen-2, Align-GVGD) all suggest that this variant is likely to be tolerated. In summary, the available evidence is currently insufficient to determine the role of this variant in disease. Therefore, it has been classified as a Variant of Uncertain Significance.